The following is an entry in ClinVar:

NC_000007.14:g.117479839G>A

Genes: CFTR (CF transmembrane conductance regulator; plus strand), LOC111674463 (CFTR promoter region; plus strand). Cytogenetic location: 7q31.2.
Variant type: single nucleotide variant.
Genome position: GRCh38 VCF-style: chr7-117479839-G-A. GRCh37 (hg19) VCF-style: chr7-117119893-G-A.
Identifiers: ClinVar variation 801152 (VCV000801152.6), dbSNP rs1035377381, ClinGen allele CA164948609.
Genomic context (GRCh38, chr7:117,479,839, plus strand): 5'-GGAGCGAAGGAGGAGAGGAGGAAGGAGCGGGAGGGGTGCTGGCGGGGGTGCGTAGTGGGT[G>A]GAGAAAGCCGCTAGAGCAAATTTGGGGCCGGACCAGGCAGCACTCGGCTTTTAACCTGGG-3'

ClinVar aggregate classification (germline): Uncertain significance. Review status: criteria provided, single submitter (1 of 4 stars). 2 submissions from 2 submitters: Uncertain significance (1). 1 of the submissions does not count toward it. Last evaluated 2019-08-15.

Conditions:
CFTR-related disorder (CFTR-RD). Also called: CFTR-related disorders; CFTR-related condition. Identifiers: MedGen C5924204, MONDO:7770004.

Allele frequency attached by ClinVar (database versions not stated): TOPMed 0.00002; gnomAD 0.00003; gnomAD exomes 0.00003.

Submissions (2):

Quest Diagnostics Nichols Institute San Juan Capistrano
Classification: Uncertain significance. Last evaluated: 2019-08-15. Review status: criteria provided, single submitter. Criteria: Quest Diagnostics criteria. Collection method: clinical testing. Allele origin: germline.

PreventionGenetics, part of Exact Sciences
Classification: Likely benign for CFTR-related condition. Last evaluated: 2021-10-28. Review status: no assertion criteria provided. Collection method: clinical testing. Allele origin: germline. Not counted in ClinVar's aggregate classification.
Comment: This variant is classified as likely benign based on ACMG/AMP sequence variant interpretation guidelines (Richards et al. 2015 PMID: 25741868, with internal and published modifications).